The following is an entry in ClinVar:

NM_177438.3(DICER1):c.2688C>A (p.Phe896Leu)

Gene: DICER1 (dicer 1, ribonuclease III; minus strand). Cytogenetic location: 14q32.13.
Variant type: single nucleotide variant.
Coding change: c.2688C>A on transcript NM_177438.3 (MANE Select); coding-DNA position 2688, C replaced by A.
Protein change: p.Phe896Leu; replaces phenylalanine 896 with leucine.
Molecular consequence: missense variant. On other transcripts: non-coding transcript variant (6).
Genome position (GRCh38, 1-based): chr14:95,107,724, G>T on the plus strand (C>A on the coding strand, the complement: DICER1 is on the minus strand). VCF-style: chr14-95107724-G-T. GRCh37 (hg19) VCF-style: chr14-95574061-G-T.
Other names: c.2688C>A, p.Phe896Leu (NM_001195573.1, NM_001271282.3, NM_001291628.2 and 13 more transcripts); c.2406C>A, p.Phe802Leu (NM_001395686.1); c.2283C>A, p.Phe761Leu (NM_001395687.1, NM_001395688.1, NM_001395689.1 and 2 more transcripts); c.2121C>A, p.Phe707Leu (NM_001395691.1); c.1005C>A, p.Phe335Leu (NM_001395697.1); short protein forms F335L, F707L, F761L, F802L, F896L.
Identifiers: ClinVar variation 3229341 (VCV003229341.1), dbSNP rs2140020178, ClinGen allele CA390879705.
Genomic context (GRCh38, chr14:95,107,724, plus strand): 5'-TTTTGTATACTTTGTACTGGGAATGCCTATGCGAGCTTCAGACTTCTCAATATCTTCCAT[G>T]AATTTAAAGTCAATATCCAAAGTGCTGGAGTCATTAACTTAGAAGAGAAAAACGACTCTT-3'
Protein context (NP_803187.1, residues 886-906): DSSTLDIDFK[Phe896Leu]MEDIEKSEAR

ClinVar aggregate classification (germline): Uncertain significance (1 of 4 stars; one submission).

Conditions:
Hereditary cancer-predisposing syndrome. Also called: Neoplastic Syndromes, Hereditary; Tumor predisposition; Hereditary neoplastic syndrome; Hereditary Cancer Syndrome. Identifiers: Orphanet 140162, MedGen C0027672, MeSH D009386, MONDO:0015356.

Submission:

Ambry Genetics
Classification: Uncertain significance for Hereditary cancer-predisposing syndrome. Last evaluated: 2024-01-05. Review status: criteria provided, single submitter. Criteria: Ambry Variant Classification Scheme 2023. Collection method: clinical testing. Allele origin: germline.
Comment: The p.F896L variant (also known as c.2688C>A), located in coding exon 16 of the DICER1 gene, results from a C to A substitution at nucleotide position 2688. The phenylalanine at codon 896 is replaced by leucine, an amino acid with highly similar properties. This amino acid position is conserved. In addition, the in silico prediction for this alteration is inconclusive. Since supporting evidence is limited at this time, the clinical significance of this alteration remains unclear.